The following is an entry in ClinVar:

ClinVar aggregate classification (germline): Uncertain significance (1 of 4 stars; one submission).

Conditions:
Ullrich congenital muscular dystrophy 2 (UCMD2). Identifiers: Orphanet 75840, MedGen C4225314, MONDO:0014654, OMIM 616470.
Bethlem myopathy 2 (BTHLM2). Identifiers: Orphanet 536516, Orphanet 610, MedGen C4225313, MONDO:0034022, OMIM 616471.

Submission:

Labcorp Genetics (formerly Invitae), Labcorp
Classification: Uncertain significance for Bethlem myopathy 2; Ullrich congenital muscular dystrophy 2. Last evaluated: 2021-06-08. Review status: criteria provided, single submitter. Criteria: Invitae Variant Classification Sherloc (09022015). Collection method: clinical testing. Allele origin: germline.
Comment: This sequence change replaces tyrosine with histidine at codon 2685 of the COL12A1 protein (p.Tyr2685His). The tyrosine residue is highly conserved and there is a moderate physicochemical difference between tyrosine and histidine. This variant is not present in population databases (ExAC no frequency). This variant has not been reported in the literature in individuals with COL12A1-related conditions. Algorithms developed to predict the effect of missense changes on protein structure and function are either unavailable or do not agree on the potential impact of this missense change (SIFT: "Deleterious"; PolyPhen-2: "Possibly Damaging"; Align-GVGD: "Class C0"). In summary, the available evidence is currently insufficient to determine the role of this variant in disease. Therefore, it has been classified as a Variant of Uncertain Significance.

NM_004370.6(COL12A1):c.8053T>C (p.Tyr2685His)

Gene: COL12A1 (collagen type XII alpha 1 chain; minus strand). Cytogenetic location: 6q13.
Variant type: single nucleotide variant.
Coding change: c.8053T>C on transcript NM_004370.6 (MANE Select); coding-DNA position 8053, T replaced by C.
Protein change: p.Tyr2685His; replaces tyrosine 2685 with histidine.
Molecular consequence: missense variant.
Genome position (GRCh38, 1-based): chr6:75,109,065, A>G on the plus strand (T>C on the coding strand, the complement: COL12A1 is on the minus strand). VCF-style: chr6-75109065-A-G. GRCh37 (hg19) VCF-style: chr6-75818781-A-G.
Other names: c.4561T>C, p.Tyr1521His (NM_080645.3); short protein forms Y1521H, Y2685H.
Identifiers: ClinVar variation 1360040 (VCV001360040.8), dbSNP rs2149353031, ClinGen allele CA364741556.